The following is an entry in ClinVar:

NM_004380.3(CREBBP):c.6232A>G (p.Ser2078Gly)

Gene: CREBBP (CREB binding lysine acetyltransferase; minus strand). Cytogenetic location: 16p13.3.
Variant type: single nucleotide variant.
Coding change: c.6232A>G on transcript NM_004380.3 (MANE Select); coding-DNA position 6232, A replaced by G.
Protein change: p.Ser2078Gly; replaces serine 2078 with glycine.
Molecular consequence: missense variant.
Genome position (GRCh38, 1-based): chr16:3,728,815, T>C on the plus strand (A>G on the coding strand, the complement: CREBBP is on the minus strand). VCF-style: chr16-3728815-T-C. GRCh37 (hg19) VCF-style: chr16-3778816-T-C.
Other names: c.6118A>G, p.Ser2040Gly (NM_001079846.1); short protein forms S2078G, S2040G.
Identifiers: ClinVar variation 3676420 (VCV003676420.2).

ClinVar aggregate classification (germline): Uncertain significance (1 of 4 stars; one submission).

Conditions:
Rubinstein-Taybi syndrome (RSTS). Identifiers: Orphanet 783, MedGen C0035934, MONDO:0019188.

Submission:

Labcorp Genetics (formerly Invitae), Labcorp
Classification: Uncertain significance for Rubinstein-Taybi syndrome. Last evaluated: 2025-01-27. Review status: criteria provided, single submitter. Criteria: Invitae Variant Classification Sherloc (09022015). Collection method: clinical testing. Allele origin: germline.
Comment: This sequence change replaces serine, which is neutral and polar, with glycine, which is neutral and non-polar, at codon 2078 of the CREBBP protein (p.Ser2078Gly). This variant is not present in population databases (gnomAD no frequency). This variant has not been reported in the literature in individuals affected with CREBBP-related conditions. Invitae Evidence Modeling of protein sequence and biophysical properties (such as structural, functional, and spatial information, amino acid conservation, physicochemical variation, residue mobility, and thermodynamic stability) has been performed for this missense variant. However, the output from this modeling did not meet the statistical confidence thresholds required to predict the impact of this variant on CREBBP protein function. In summary, the available evidence is currently insufficient to determine the role of this variant in disease. Therefore, it has been classified as a Variant of Uncertain Significance.